The following is an entry in ClinVar:

NM_004656.4(BAP1):c.1324C>T (p.Pro442Ser)

Gene: BAP1 (BRCA1 associated deubiquitinase 1; minus strand). Cytogenetic location: 3p21.1.
Variant type: single nucleotide variant.
Coding change: c.1324C>T on transcript NM_004656.4 (MANE Select); coding-DNA position 1324, C replaced by T.
Protein change: p.Pro442Ser; replaces proline 442 with serine.
Molecular consequence: missense variant.
Genome position (GRCh38, 1-based): chr3:52,403,821, G>A on the plus strand (C>T on the coding strand, the complement: BAP1 is on the minus strand). VCF-style: chr3-52403821-G-A. GRCh37 (hg19) VCF-style: chr3-52437837-G-A.
Other names: c.1270C>T, p.Pro424Ser (NM_001410772.1); short protein forms P424S, P442S.
Identifiers: ClinVar variation 4758847 (VCV004758847.1).
Genomic context (GRCh38, chr3:52,403,821, plus strand): 5'-GAATTGAGAGGTCCTTCTGGGACTCTTTGAGCTTCTCAGCCAAGACGTTGATGGTGTTGG[G>A]CTGCAGCACTGACAGTTGCCCATCAGCAGAACCGCTCAATGCCCCTGGCTTCCCTGTTCC-3'
Protein context (NP_004647.1, residues 432-452): SADGQLSVLQ[Pro442Ser]NTINVLAEKL

ClinVar aggregate classification (germline): Uncertain significance (1 of 4 stars; one submission).

Conditions:
Hereditary cancer-predisposing syndrome. Also called: Neoplastic Syndromes, Hereditary; Hereditary neoplastic syndrome; Tumor predisposition; Hereditary Cancer Syndrome. Identifiers: Orphanet 140162, MedGen C0027672, MeSH D009386, MONDO:0015356.

Submission:

Color Diagnostics, LLC DBA Color Health
Classification: Uncertain significance for Hereditary cancer-predisposing syndrome. Last evaluated: 2025-06-30. Review status: criteria provided, single submitter. Criteria: ACMG Guidelines, 2015. Collection method: clinical testing. Allele origin: germline.
Comment: This missense variant replaces proline with serine at codon 442 of the BAP1 protein. Computational prediction suggests that this variant may not impact protein structure and function. To our knowledge, functional studies have not been reported for this variant. This variant has not been reported in individuals affected with BAP1-related disorders in the literature. This variant has not been identified in the general population by the Genome Aggregation Database (gnomAD). The available evidence is insufficient to determine the role of this variant in disease conclusively. Therefore, this variant is classified as a Variant of Uncertain Significance.